The following is an entry in ClinVar:

ClinVar aggregate classification (germline): Conflicting classifications of pathogenicity. Review status: criteria provided, conflicting classifications (1 of 4 stars). 3 submissions from 3 submitters: Uncertain significance (1); Likely benign (1). 1 of the submissions does not count toward it. Last evaluated 2018-10-01.

Conditions:
POLG-related disorder. Also called: POLG-Related Spectrum Disorders; POLG-related condition; POLG-Related Disorders. Identifiers: MedGen C4763519.
Fanconi anemia complementation group I (FANCI). Also called: FANCI-Related Fanconi Anemia. Identifiers: Orphanet 84, MedGen C1836861, MONDO:0012186, OMIM 609053.
Progressive sclerosing poliodystrophy (MTDPS4A). Also called: Mitochondrial DNA Depletion Syndrome 4A; Alpers-Huttenlocher Syndrome (AHS); ALPERS PROGRESSIVE INFANTILE POLIODYSTROPHY; NEURONAL DEGENERATION OF CHILDHOOD WITH LIVER DISEASE, PROGRESSIVE; Mitochondrial DNA depletion syndrome 4A (Alpers type); Alpers Syndrome. Identifiers: Orphanet 726, MedGen C0205710, MONDO:0008758, OMIM 203700.

Allele frequency attached by ClinVar (database versions not stated): gnomAD exomes below 0.00001.
gnomAD v4.1: 1 of 1,409,154 alleles (0.000071%); highest among the groups gnomAD compares: Admixed American, 0.0019%; no homozygotes.

Submissions (3):

Wong Mito Lab, Molecular and Human Genetics, Baylor College of Medicine
Classification: Likely benign for Progressive sclerosing poliodystrophy. Last evaluated: 2018-10-01. Review status: criteria provided, single submitter. Criteria: ACMG Guidelines, 2015. Collection method: clinical testing. Allele origin: germline.
Comment: The NM_002693.2:c.*49G>A (NP_002684.1:p.=) [GRCH38: NC_000015.10:g.89316702C>T] variant in FANCI gene is interpretated to be a Likely Benign based on ACMG guidelines (PMID: 25741868). This variant meets the following evidence codes reported in the ACMG-guideline. BP4:Computational evidence/predictors indicate no impact on the FANCI structure, function, or protein-protein interaction. BP6:Reputable source(s) without shared data suggest the variant is benign. Based on the evidence criteria codes applied, the variant is suggested to be Likely Benign.

Illumina Laboratory Services, Illumina
Classification: Uncertain significance for Fanconi anemia complementation group I. Last evaluated: 2018-01-12. Review status: criteria provided, single submitter. Criteria: ICSL Variant Classification Criteria 13 December 2019. Collection method: clinical testing. Allele origin: germline.

PreventionGenetics, part of Exact Sciences
Classification: Likely benign for POLG-related condition. Last evaluated: 2021-03-19. Review status: no assertion criteria provided. Collection method: clinical testing. Allele origin: germline. Not counted in ClinVar's aggregate classification.
Comment: This variant is classified as likely benign based on ACMG/AMP sequence variant interpretation guidelines (Richards et al. 2015 PMID: 25741868, with internal and published modifications).

NM_002693.3(POLG):c.*49G>A

Genes: FANCI (FA complementation group I; plus strand), POLG (DNA polymerase gamma, catalytic subunit; minus strand). Cytogenetic location: 15q26.1.
Variant type: single nucleotide variant.
Coding change: c.*49G>A on transcript NM_002693.3 (MANE Select); 49 bases downstream of the stop codon, G replaced by A.
Molecular consequence: 3 prime UTR variant.
Genome position (GRCh38, 1-based): chr15:89,316,702, C>T on the plus strand (G>A on the coding strand, the complement: POLG is on the minus strand). VCF-style: chr15-89316702-C-T. GRCh37 (hg19) VCF-style: chr15-89859933-C-T.
Other names: c.*49G>A (NM_001126131.2); c.*243C>T (NM_001113378.2, NM_001376910.1, NM_001376911.1 and 1 more transcripts).
Identifiers: ClinVar variation 317308 (VCV000317308.8), dbSNP rs758880377, ClinGen allele CA10602326.